The following is an entry in ClinVar:

ClinVar aggregate classification (germline): Uncertain significance (1 of 4 stars; one submission).

Conditions:
Hypertrophic cardiomyopathy. Also called: HYPERTROPHIC MYOCARDIOPATHY. Identifiers: Orphanet 217569, MedGen C0007194, MeSH D002312, MONDO:0005045, HP:0001639.

Allele frequency attached by ClinVar (database versions not stated): TOPMed 0.00001.

Submission:

Labcorp Genetics (formerly Invitae), Labcorp
Classification: Uncertain significance for Hypertrophic cardiomyopathy. Last evaluated: 2021-06-16. Review status: criteria provided, single submitter. Criteria: Invitae Variant Classification Sherloc (09022015). Collection method: clinical testing. Allele origin: germline.
Comment: In summary, the available evidence is currently insufficient to determine the role of this variant in disease. Therefore, it has been classified as a Variant of Uncertain Significance. Algorithms developed to predict the effect of missense changes on protein structure and function are either unavailable or do not agree on the potential impact of this missense change (SIFT: "Deleterious"; PolyPhen-2: "Probably Damaging"; Align-GVGD: "Class C0"). This variant has not been reported in the literature in individuals with MYH7-related conditions. This variant is not present in population databases (ExAC no frequency). This sequence change replaces alanine with threonine at codon 1330 of the MYH7 protein (p.Ala1330Thr). The alanine residue is highly conserved and there is a small physicochemical difference between alanine and threonine.

NM_000257.4(MYH7):c.3988G>A (p.Ala1330Thr)

Gene: MYH7 (myosin heavy chain 7; minus strand). Cytogenetic location: 14q11.2.
Variant type: single nucleotide variant.
Coding change: c.3988G>A on transcript NM_000257.4 (MANE Select); coding-DNA position 3988, G replaced by A.
Protein change: p.Ala1330Thr; replaces alanine 1330 with threonine.
Molecular consequence: missense variant.
Genome position (GRCh38, 1-based): chr14:23,418,391, C>T on the plus strand (G>A on the coding strand, the complement: MYH7 is on the minus strand). VCF-style: chr14-23418391-C-T. GRCh37 (hg19) VCF-style: chr14-23887600-C-T.
Other names: short protein forms A1330T.
Identifiers: ClinVar variation 1436853 (VCV001436853.8), dbSNP rs906988456, ClinGen allele CA257813942.